The following is an entry in ClinVar:

NM_006766.5(KAT6A):c.4966C>T (p.Pro1656Ser)

Gene: KAT6A (lysine acetyltransferase 6A; minus strand). Cytogenetic location: 8p11.21.
Variant type: single nucleotide variant.
Coding change: c.4966C>T on transcript NM_006766.5 (MANE Select); coding-DNA position 4966, C replaced by T.
Protein change: p.Pro1656Ser; replaces proline 1656 with serine.
Molecular consequence: missense variant.
Genome position (GRCh38, 1-based): chr8:41,933,254, G>A on the plus strand (C>T on the coding strand, the complement: KAT6A is on the minus strand). VCF-style: chr8-41933254-G-A. GRCh37 (hg19) VCF-style: chr8-41790772-G-A.
Other names: short protein forms P1656S.
Identifiers: ClinVar variation 3766230 (VCV003766230.1).
Genomic context (GRCh38, chr8:41,933,254, plus strand): 5'-GGGGTGGTGGAGGCTGTGGTGCTGGTTGTGGTTGTGGCGGCGGCGGCTGTGGCTGCTGTG[G>A]AGGCGGTGGTGGCGGCTGCTGCTGCTGGTTACTGGGAGGCCTCTCCACCACGCAGCTCTG-3'
Protein context (NP_006757.2, residues 1646-1666): NQQQQPPPPP[Pro1656Ser]QQPQPPPPQP

ClinVar aggregate classification (germline): Uncertain significance (1 of 4 stars; one submission).

gnomAD v4.1: 1 of 1,552,634 alleles (0.000064%); highest among the groups gnomAD compares: Non-Finnish European, 0.000087%; no homozygotes.

Submission:

GeneDx
Classification: Uncertain significance. Last evaluated: 2024-08-27. Review status: criteria provided, single submitter. Criteria: GeneDx Variant Classification Process June 2021. Collection method: clinical testing. Allele origin: germline. Affected: yes.
Comment: Not observed at significant frequency in large population cohorts (gnomAD); In silico analysis indicates that this missense variant does not alter protein structure/function; Has not been previously published as pathogenic or benign to our knowledge